The following is an entry in ClinVar:

ClinVar aggregate classification (germline): Likely benign (1 of 4 stars; one submission).

Conditions:
Lynch syndrome 4 (LYNCH4). Also called: Colorectal cancer, hereditary nonpolyposis, type 4; Hereditary non-polyposis colorectal cancer, type 4. Identifiers: Orphanet 144, MedGen C1838333, MONDO:0013699, OMIM 614337. Disease mechanism: loss of function.

Submission:

Myriad Genetics, Inc.
Classification: Likely benign for Lynch syndrome 4. Last evaluated: 2025-01-28. Review status: criteria provided, single submitter. Criteria: Myriad Autosomal Dominant, Autosomal Recessive and X-Linked Classification Criteria (2023). Collection method: clinical testing. Allele origin: unknown.
Comment: This variant is considered likely benign. This variant is intronic and is not expected to impact mRNA splicing.

NM_000535.7(PMS2):c.904-20A>T

Gene: PMS2 (PMS1 homolog 2, mismatch repair system component; minus strand). Cytogenetic location: 7p22.1.
Variant type: single nucleotide variant.
Coding change: c.904-20A>T on transcript NM_000535.7 (MANE Select); 20 bases into the intron before coding-DNA position 904, A replaced by T.
Molecular consequence: intron variant.
Genome position (GRCh38, 1-based): chr7:5,992,077, T>A on the plus strand (A>T on the coding strand, the complement: PMS2 is on the minus strand). VCF-style: chr7-5992077-T-A. GRCh37 (hg19) VCF-style: chr7-6031708-T-A.
Other names: c.586-20A>T (NM_001322008.2, NM_001406902.1, NM_001406883.1 and 4 more transcripts); c.595-20A>T (NM_001406881.1, NM_001406879.1, NM_001322015.2 and 6 more transcripts); c.499-20A>T (NM_001406895.1, NM_001322010.2, NM_001322004.2 and 19 more transcripts); c.133-20A>T (NM_001406911.1); c.391-20A>T (NM_001406904.1, NM_001406905.1); c.331-20A>T (NM_001322013.2, NM_001406909.1); c.-30-20A>T (NM_001322012.2, NM_001322011.2); c.568-20A>T (NM_001406885.1); and 8 more.
Identifiers: ClinVar variation 3904768 (VCV003904768.1).